The following is an entry in ClinVar:

ClinVar aggregate classification (germline): Pathogenic/Likely pathogenic. Review status: criteria provided, multiple submitters, no conflicts (2 of 4 stars). 4 submissions from 4 submitters: Pathogenic (2); Likely pathogenic (2). Last evaluated 2025-02-26.

Conditions:
Nemaline myopathy. Also called: Myopathies, Nemaline. Identifiers: Orphanet 607, MedGen C0206157, MONDO:0018958.
Arthrogryposis multiplex congenita 6. Identifiers: MedGen C5543431, MONDO:0030281, OMIM 619334.
Nemaline myopathy 2 (NEM2). Also called: Nemaline myopathy 2, autosomal recessive. Identifiers: MedGen C1850569, MONDO:0009725, OMIM 256030.

Submissions (4):

Broad Center for Mendelian Genomics, Broad Institute of MIT and Harvard
Classification: Likely pathogenic for Nemaline myopathy. Last evaluated: 2025-02-26. Review status: criteria provided, single submitter. Criteria: ACMG Guidelines, 2015. Collection method: curation. Allele origin: germline. Inheritance: Autosomal recessive inheritance.
Comment: The p.Gln8002SerfsTer145 variant in NEB has been reported in 1 individual with with nemaline myopathy (PMID: 30919572), and has been identified in 0.00009% (1/1145514) of European (non-Finnish) chromosomes by the Genome Aggregation Database (gnomAD; dbSNP ID: rs2064439011). Although this variant has been seen in the general population in a heterozygous state, its frequency is low enough to be consistent with a recessive carrier frequency. This variant has also been reported in ClinVar (Variation ID: 1073497) and has been interpreted as pathogenic/likely pathogenuc by Revvity Omics, and Invitae. This variant is predicted to cause a frameshift, which alters the protein‚Äôs amino acid sequence beginning at position 8002 and leads to a premature termination codon 145 amino acids downstream. This alteration is then predicted to lead to a truncated or absent protein. Loss of function of the NEB gene is an established disease mechanism in autosomal recessive nemaline myopathy. In summary, although additional studies are required to fully establish its clinical significance, this variant is likely pathogenic for autosomal recessive nemaline myopathy. ACMG/AMP Criteria applied: PVS1, PM2_supporting (Richards 2015).

Baylor Genetics
Classification: Likely pathogenic for Arthrogryposis multiplex congenita 6. Last evaluated: 2023-06-27. Review status: criteria provided, single submitter. Criteria: ACMG Guidelines, 2015. Collection method: clinical testing. Allele origin: unknown.

Labcorp Genetics (formerly Invitae), Labcorp
Classification: Pathogenic for Nemaline myopathy 2. Last evaluated: 2023-06-03. Review status: criteria provided, single submitter. Criteria: Invitae Variant Classification Sherloc (09022015). Collection method: clinical testing. Allele origin: germline.
Comment: For these reasons, this variant has been classified as Pathogenic. ClinVar contains an entry for this variant (Variation ID: 1073497). This premature translational stop signal has been observed in individual(s) with clinical features of nemaline myopathy (Invitae). This variant is not present in population databases (gnomAD no frequency). This sequence change creates a premature translational stop signal (p.Gln8037Serfs*145) in the NEB gene. It is expected to result in an absent or disrupted protein product. Loss-of-function variants in NEB are known to be pathogenic (PMID: 25205138).

Revvity Omics, Revvity
Classification: Pathogenic. Last evaluated: 2021-02-04. Review status: criteria provided, single submitter. Criteria: ACMG Guidelines, 2015. Collection method: clinical testing. Allele origin: germline.

Literature cited by the submitters: PubMed 25205138 (cited by Labcorp Genetics (formerly Invitae), Labcorp).

NM_001164508.2(NEB):c.23998_24002dup (p.Gln8002fs)

Genes: NEB (nebulin; minus strand), RIF1 (replication timing regulatory factor 1; plus strand). Cytogenetic location: 2q23.3.
Variant type: Duplication.
Coding change: c.23998_24002dup on transcript NM_001164508.2 (MANE Select); coding-DNA positions 23998 to 24002, 5 bases duplicated (CTCAA; older notation c.23998_24002dupCTCAA).
Protein change: p.Gln8002fs; shifts the reading frame from glutamine 8002.
Molecular consequence: frameshift variant. On other transcripts: intron variant (1).
Genome position (GRCh38, 1-based): chr2:151,501,410-151,501,414, TTGAG duplicated on the plus strand (CTCAA on the coding strand, the reverse complement: NEB is on the minus strand); duplicating any 5 consecutive bases within chr2:151,501,410-151,501,416 gives the same sequence; the c. name uses the placement nearest the transcript's 3' end. VCF-style (leftmost placement, unchanged base first): chr2-151501409-A-ATTGAG. GRCh37 (hg19) VCF-style: chr2-152357923-A-ATTGAG.
Other names: NM_001164508.2(NEB):c.23998_24002dup; p.Gln8002fs; c.24103_24107dup, p.Gln8037fs (NM_001271208.2); c.18825+1379_18825+1383dup (NM_004543.5); c.23998_24002dup, p.Gln8002fs (NM_001164507.2); short protein forms Q8002fs, Q8037fs.
Identifiers: ClinVar variation 1073497 (VCV001073497.14), dbSNP rs2064439011, ClinGen allele CA1298153565.